The following is an entry in ClinVar:

ClinVar aggregate classification (germline): Benign (1 of 4 stars; one submission).

Allele frequency attached by ClinVar (database versions not stated): gnomAD exomes 0.29161; gnomAD 0.30873 and 0.30915; TOPMed 0.32534; 1000 Genomes Project 30x 0.34541; 1000 Genomes Project 0.34565.
gnomAD v4.1: 263,420 of 894,022 alleles (29%); highest among the groups gnomAD compares: East Asian, 47%; 40,826 homozygotes.

Submission:

GeneDx
Classification: Benign. Last evaluated: 2018-06-14. Review status: criteria provided, single submitter. Criteria: GeneDx Variant Classification (06012015). Collection method: clinical testing. Allele origin: germline. Affected: yes.
Comment: This variant is considered likely benign or benign based on one or more of the following criteria: it is a conservative change, it occurs at a poorly conserved position in the protein, it is predicted to be benign by multiple in silico algorithms, and/or has population frequency not consistent with disease.

NM_004415.4(DSP):c.777+120C>G

Gene: DSP (desmoplakin; plus strand). Cytogenetic location: 6p24.3.
Variant type: single nucleotide variant.
Coding change: c.777+120C>G on transcript NM_004415.4 (MANE Select); 120 bases into the intron after coding-DNA position 777, C replaced by G.
Molecular consequence: intron variant.
Genome position (GRCh38, 1-based): chr6:7,563,906, C>G. VCF-style: chr6-7563906-C-G. GRCh37 (hg19) VCF-style: chr6-7564139-C-G.
Other names: c.777+120C>G (NM_001319034.2, NM_001008844.3).
Identifiers: ClinVar variation 671092 (VCV000671092.1), dbSNP rs1358903, ClinGen allele CA12261383.